The following is an entry in ClinVar:

NM_001267550.2(TTN):c.69565G>A (p.Ala23189Thr)

Genes: TTN-AS1 (TTN antisense RNA 1; plus strand), TTN (titin; minus strand). Cytogenetic location: 2q31.2.
Variant type: single nucleotide variant.
Coding change: c.69565G>A on transcript NM_001267550.2 (MANE Select); coding-DNA position 69565, G replaced by A.
Protein change: p.Ala23189Thr; replaces alanine 23189 with threonine.
Molecular consequence: missense variant.
Genome position (GRCh38, 1-based): chr2:178,576,679, C>T on the plus strand (G>A on the coding strand, the complement: TTN is on the minus strand). VCF-style: chr2-178576679-C-T. GRCh37 (hg19) VCF-style: chr2-179441406-C-T.
Other names: c.64642G>A, p.Ala21548Thr (NM_001256850.1); c.42370G>A, p.Ala14124Thr (NM_003319.4); c.61861G>A, p.Ala20621Thr (NM_133378.4); c.42745G>A, p.Ala14249Thr (NM_133432.3); c.42946G>A, p.Ala14316Thr (NM_133437.4); short protein forms A14124T, A14249T, A14316T, A20621T, A21548T, A23189T.
Identifiers: ClinVar variation 2574755 (VCV002574755.2), dbSNP rs747399870, ClinGen allele CA349667537.

ClinVar aggregate classification (germline): Uncertain significance. Review status: criteria provided, multiple submitters, no conflicts (2 of 4 stars). 2 submissions from 2 submitters: Uncertain significance (2). Last evaluated 2023-04-06.

Conditions:
Dilated cardiomyopathy 1G (CMD1G). Identifiers: Orphanet 154, MedGen C1858763, MONDO:0011400, OMIM 604145.

gnomAD v4.1: 1 of 1,613,544 alleles (0.000062%); highest among the groups gnomAD compares: Non-Finnish European, 0.000085%; no homozygotes.

Submissions (2):

Illumina Laboratory Services, Illumina
Classification: Uncertain significance for Dilated cardiomyopathy 1G. Last evaluated: 2023-04-06. Review status: criteria provided, single submitter. Criteria: ICSLVariantClassificationCriteria RUGD 01 April 2020. Collection method: clinical testing. Allele origin: unknown.
Comment: The TTN c.69565G>A (p.Ala23189Thr) missense variant results in the substitution of alanine at amino acid position 23189 with threonine. To our knowledge, this variant has not been reported in the peer-reviewed literature. This variant is not found in version 2.1.1 or version 3.1.2 of the Genome Aggregation Database. It is located in exon 325 of the meta transcript of titin and within the A-band; this exon is highly expressed in cardiac tissue (PMID: 25589632). Based on the available evidence, the c.69565G>A (p.Ala23189Thr) variant is classified as a variant of uncertain significance for dilated cardiomyopathy.

GeneDx
Classification: Uncertain significance. Last evaluated: 2023-02-07. Review status: criteria provided, single submitter. Criteria: GeneDx Variant Classification Process June 2021. Collection method: clinical testing. Allele origin: germline. Affected: yes.
Comment: Not observed at significant frequency in large population cohorts (gnomAD); Missense variant in a gene in which most reported pathogenic variants are truncating/loss of function; Has not been previously published as pathogenic or benign to our knowledge